The following is an entry in ClinVar:

ClinVar aggregate classification (germline): Uncertain significance (1 of 4 stars; one submission).

Submission:

CeGaT Center for Human Genetics Tuebingen
Classification: Uncertain significance. Last evaluated: 2026-02-01. Review status: criteria provided, single submitter. Criteria: CeGaT Center For Human Genetics Tuebingen Variant Classification Criteria Version 2. Collection method: clinical testing. Allele origin: germline. Affected: yes. Observed: 1 variant allele.
Comment: KIF5C: PM2, PP2

NM_004522.3(KIF5C):c.576C>A (p.His192Gln)

Gene: KIF5C (kinesin family member 5C; plus strand). Cytogenetic location: 2q23.1.
Variant type: single nucleotide variant.
Coding change: c.576C>A on transcript NM_004522.3 (MANE Select); coding-DNA position 576, C replaced by A.
Protein change: p.His192Gln; replaces histidine 192 with glutamine.
Molecular consequence: missense variant.
Genome position (GRCh38, 1-based): chr2:148,942,747, C>A. VCF-style: chr2-148942747-C-A. GRCh37 (hg19) VCF-style: chr2-149799261-C-A.
Other names: short protein forms H192Q.
Identifiers: ClinVar variation 4821316 (VCV004821316.4).